The following is an entry in ClinVar:

NM_007286.6(SYNPO):c.802A>G (p.Lys268Glu)

Gene: SYNPO (synaptopodin; plus strand). Cytogenetic location: 5q33.1.
Variant type: single nucleotide variant.
Coding change: c.802A>G on transcript NM_007286.6 (MANE Select); coding-DNA position 802, A replaced by G.
Protein change: p.Lys268Glu; replaces lysine 268 with glutamic acid.
Molecular consequence: missense variant.
Genome position (GRCh38, 1-based): chr5:150,649,077, A>G. VCF-style: chr5-150649077-A-G. GRCh37 (hg19) VCF-style: chr5-150028639-A-G.
Other names: c.802A>G, p.Lys268Glu (NM_001109974.3); c.1534A>G, p.Lys512Glu (NM_001166208.2, NM_001166209.2); short protein forms K512E, K268E.
Identifiers: ClinVar variation 2052968 (VCV002052968.5), dbSNP rs41520647, ClinGen allele CA3513287.

ClinVar aggregate classification (germline): Uncertain significance. Review status: criteria provided, multiple submitters, no conflicts (2 of 4 stars). 2 submissions from 2 submitters: Uncertain significance (2). Last evaluated 2025-10-23.

Allele frequency attached by ClinVar (database versions not stated): 1000 Genomes Project 30x 0.00016; 1000 Genomes Project 0.00020; gnomAD 0.00042; ExAC 0.00045; ESP Exome Variant Server 0.00046; TOPMed 0.00051; gnomAD exomes 0.00066.
gnomAD v4.1: 1,025 of 1,613,766 alleles (0.064%); highest among the groups gnomAD compares: Non-Finnish European, 0.078%; no homozygotes.

Submissions (2):

Labcorp Genetics (formerly Invitae), Labcorp
Classification: Uncertain significance. Last evaluated: 2025-10-23. Review status: criteria provided, single submitter. Criteria: Invitae Variant Classification Sherloc (09022015). Collection method: clinical testing. Allele origin: germline.
Comment: This sequence change replaces lysine, which is basic and polar, with glutamic acid, which is acidic and polar, at codon 268 of the SYNPO protein (p.Lys268Glu). This variant is present in population databases (rs41520647, gnomAD 0.07%), and has an allele count higher than expected for a pathogenic variant. This variant has not been reported in the literature in individuals affected with SYNPO-related conditions. ClinVar contains an entry for this variant (Variation ID: 2052968). An algorithm developed to predict the effect of missense changes on protein structure and function (PolyPhen-2) suggests that this variant is likely to be disruptive. In summary, the available evidence is currently insufficient to determine the role of this variant in disease. Therefore, it has been classified as a Variant of Uncertain Significance.

Ambry Genetics
Classification: Uncertain significance. Last evaluated: 2021-06-11. Review status: criteria provided, single submitter. Criteria: Ambry Variant Classification Scheme 2023. Collection method: clinical testing. Allele origin: germline.